The following is an entry in ClinVar:

NM_005960.2(MUC3A):c.8697C>T (p.Leu2899=)

Gene: MUC3A (mucin 3A, cell surface associated; plus strand). Cytogenetic location: 7q22.1.
Variant type: single nucleotide variant.
Coding change: c.8697C>T on transcript NM_005960.2 (MANE Select); coding-DNA position 8697, C replaced by T.
Protein change: p.Leu2899=; no amino-acid change (leucine 2899 retained).
Molecular consequence: synonymous variant.
Genome position (GRCh38, 1-based): chr7:100,960,476, C>T. VCF-style: chr7-100960476-C-T. GRCh37 (hg19) VCF-style: chr7-100552605-C-T.
Identifiers: ClinVar variation 2657794 (VCV002657794.24), dbSNP rs369729950, ClinGen allele CA4397984.

ClinVar aggregate classification (germline): Likely benign (1 of 4 stars; one submission).

Allele frequency attached by ClinVar (database versions not stated): ESP Exome Variant Server 0.00035; gnomAD 0.00037; gnomAD exomes 0.00070; 1000 Genomes Project 0.00080; 1000 Genomes Project 30x 0.00094; ExAC 0.00153.
gnomAD v4.1: 1,082 of 1,598,606 alleles (0.068%); highest among the groups gnomAD compares: South Asian, 0.83%; no homozygotes.

Submission:

CeGaT Center for Human Genetics Tuebingen
Classification: Likely benign. Last evaluated: 2023-08-01. Review status: criteria provided, single submitter. Criteria: CeGaT Center For Human Genetics Tuebingen Variant Classification Criteria Version 2. Collection method: clinical testing. Allele origin: germline. Affected: yes. Observed: 1 variant allele.
Comment: MUC3A: BP4, BP7